The following is an entry in ClinVar:

ClinVar aggregate classification (germline): Uncertain significance (1 of 4 stars; one submission).

Submission:

Ambry Genetics
Classification: Uncertain significance. Last evaluated: 2022-06-20. Review status: criteria provided, single submitter. Criteria: Ambry Variant Classification Scheme 2023. Collection method: clinical testing. Allele origin: germline.
Comment: The p.V1290L variant (also known as c.3868G>T), located in coding exon 8 of the MLH3 gene, results from a G to T substitution at nucleotide position 3868. The valine at codon 1290 is replaced by leucine, an amino acid with highly similar properties. This amino acid position is conserved. In addition, this alteration is predicted to be tolerated by in silico analysis. Since supporting evidence is limited at this time, the clinical significance of this alteration remains unclear.

NM_001040108.2(MLH3):c.3868G>T (p.Val1290Leu)

Gene: MLH3 (mutL homolog 3; minus strand). Cytogenetic location: 14q24.3.
Variant type: single nucleotide variant.
Coding change: c.3868G>T on transcript NM_001040108.2 (MANE Select); coding-DNA position 3868, G replaced by T.
Protein change: p.Val1290Leu; replaces valine 1290 with leucine.
Molecular consequence: missense variant.
Genome position (GRCh38, 1-based): chr14:75,030,662, C>A on the plus strand (G>T on the coding strand, the complement: MLH3 is on the minus strand). VCF-style: chr14-75030662-C-A. GRCh37 (hg19) VCF-style: chr14-75497365-C-A.
Other names: c.3796G>T, p.Val1266Leu (NM_014381.3); short protein forms V1290L, V1266L.
Identifiers: ClinVar variation 1735656 (VCV001735656.2), dbSNP rs2139386784, ClinGen allele CA390423099.
Genomic context (GRCh38, chr14:75,030,662, plus strand): 5'-CCACAAAACATAGTGGTACTTTTCCCACAAGGACCAGAGAATCACTAGTGTCTGGAAATA[C>A]AAATTCAAGGCCCAGATCTTCCAGATTTTTGTGGTAACACCTAAAGAGATAACCTCAAAT-3'
Protein context (NP_001035197.1, residues 1280-1300): KNLEDLGLEF[Val1290Leu]FPDTSDSLVL